The following is an entry in ClinVar:

ClinVar aggregate classification (germline): Uncertain significance (1 of 4 stars; one submission).

Conditions:
Hereditary cancer-predisposing syndrome. Also called: Hereditary Cancer Syndrome; Tumor predisposition; Hereditary neoplastic syndrome; Neoplastic Syndromes, Hereditary. Identifiers: Orphanet 140162, MedGen C0027672, MeSH D009386, MONDO:0015356.

Allele frequency attached by ClinVar (database versions not stated): gnomAD exomes below 0.00001; ExAC 0.00001.

Submission:

Labcorp Genetics (formerly Invitae), Labcorp
Classification: Uncertain significance for Hereditary cancer-predisposing syndrome. Last evaluated: 2024-10-24. Review status: criteria provided, single submitter. Criteria: Invitae Variant Classification Sherloc (09022015). Collection method: clinical testing. Allele origin: germline.
Comment: This sequence change replaces lysine, which is basic and polar, with arginine, which is basic and polar, at codon 1059 of the RAD50 protein (p.Lys1059Arg). This variant is present in population databases (rs770062633, gnomAD 0.006%). This variant has not been reported in the literature in individuals affected with RAD50-related conditions. ClinVar contains an entry for this variant (Variation ID: 1412404). Invitae Evidence Modeling of protein sequence and biophysical properties (such as structural, functional, and spatial information, amino acid conservation, physicochemical variation, residue mobility, and thermodynamic stability) indicates that this missense variant is not expected to disrupt RAD50 protein function with a negative predictive value of 80%. In summary, the available evidence is currently insufficient to determine the role of this variant in disease. Therefore, it has been classified as a Variant of Uncertain Significance.

NM_005732.4(RAD50):c.3176A>G (p.Lys1059Arg)

Gene: RAD50 (RAD50 double strand break repair protein; plus strand). Cytogenetic location: 5q31.1.
Variant type: single nucleotide variant.
Coding change: c.3176A>G on transcript NM_005732.4 (MANE Select); coding-DNA position 3176, A replaced by G.
Protein change: p.Lys1059Arg; replaces lysine 1059 with arginine.
Molecular consequence: missense variant.
Genome position (GRCh38, 1-based): chr5:132,618,081, A>G. VCF-style: chr5-132618081-A-G. GRCh37 (hg19) VCF-style: chr5-131953773-A-G.
Other names: short protein forms K1059R.
Identifiers: ClinVar variation 1412404 (VCV001412404.8), dbSNP rs770062633, ClinGen allele CA3405537.